The following is an entry in ClinVar:

ClinVar aggregate classification (germline): Benign/Likely benign. Review status: criteria provided, multiple submitters, no conflicts (2 of 4 stars). 2 submissions from 2 submitters: Benign (1); Likely benign (1). Last evaluated 2025-02-14.

Conditions:
Hereditary cancer-predisposing syndrome. Also called: Neoplastic Syndromes, Hereditary; Tumor predisposition; Hereditary Cancer Syndrome; Hereditary neoplastic syndrome. Identifiers: Orphanet 140162, MedGen C0027672, MeSH D009386, MONDO:0015356.
Breast-ovarian cancer, familial, susceptibility to, 3. Also called: RAD51C-Related Breast/Ovarian Cancer. Identifiers: Orphanet 145, MedGen C3150659, MONDO:0013253, OMIM 613399.

Allele frequency attached by ClinVar (database versions not stated): gnomAD exomes below 0.00001; ExAC 0.00001; gnomAD 0.00001; 1000 Genomes Project 30x 0.00016; 1000 Genomes Project 0.00020.

Submissions (2):

Myriad Genetics, Inc.
Classification: Benign for Breast-ovarian cancer, familial, susceptibility to, 3. Last evaluated: 2025-02-14. Review status: criteria provided, single submitter. Criteria: Myriad Autosomal Dominant, Autosomal Recessive and X-Linked Classification Criteria (2023). Collection method: clinical testing. Allele origin: unknown.
Comment: This variant is considered benign. This variant is a silent/synonymous amino acid change and it is not expected to impact splicing.

Ambry Genetics
Classification: Likely benign for Hereditary cancer-predisposing syndrome. Last evaluated: 2015-09-01. Review status: criteria provided, single submitter. Criteria: Ambry Variant Classification Scheme 2023. Collection method: clinical testing. Allele origin: germline.

NM_058216.3(RAD51C):c.288C>G (p.Thr96=)

Gene: RAD51C (RAD51 paralog C; plus strand). Cytogenetic location: 17q22.
Variant type: single nucleotide variant.
Coding change: c.288C>G on transcript NM_058216.3 (MANE Select); coding-DNA position 288, C replaced by G.
Protein change: p.Thr96=; no amino-acid change (threonine 96 retained).
Molecular consequence: synonymous variant. On other transcripts: non-coding transcript variant (2).
Genome position (GRCh38, 1-based): chr17:58,695,073, C>G. VCF-style: chr17-58695073-C-G. GRCh37 (hg19) VCF-style: chr17-56772434-C-G.
Other names: c.288C>G, p.Thr96= (NM_002876.4).
Identifiers: ClinVar variation 233670 (VCV000233670.6), dbSNP rs143180709, ClinGen allele CA8677191.